The following is an entry in ClinVar:

NM_032108.4(SEMA6B):c.1894del (p.Arg632fs)

Gene: SEMA6B (semaphorin 6B; minus strand). Cytogenetic location: 19p13.3.
Variant type: Deletion.
Coding change: c.1894del on transcript NM_032108.4 (MANE Select); coding-DNA position 1894, one base deleted (C; older notation c.1894delC).
Protein change: p.Arg632fs; shifts the reading frame from arginine 632.
Molecular consequence: frameshift variant.
Genome position (GRCh38, 1-based): chr19:4,544,374, G deleted on the plus strand (C on the coding strand, the reverse complement: SEMA6B is on the minus strand); the first of 3 consecutive G bases (chr19:4,544,374-4,544,376); deleting any one gives the same sequence. VCF-style (leftmost placement, unchanged base first): chr19-4544373-CG-C. GRCh37 (hg19) VCF-style: chr19-4544385-CG-C.
Other names: short protein forms R632fs.
Identifiers: ClinVar variation 985566 (VCV000985566.4), dbSNP rs1977109200, ClinGen allele CA1139666194.

ClinVar aggregate classification (germline): Uncertain significance (1 of 4 stars; one submission).

Conditions:
Inborn genetic diseases. Identifiers: MedGen C0950123, MeSH D030342.

Submission:

Ambry Genetics
Classification: Uncertain significance for Inborn genetic diseases. Last evaluated: 2020-06-02. Review status: criteria provided, single submitter. Criteria: Ambry Variant Classification Scheme 2023. Collection method: clinical testing. Allele origin: germline.
Comment: The alteration results in a premature stop codon: _x000D_ _x000D_ The c.1894delC (p.R632Gfs*18) alteration, located in exon 17 (coding exon 16) of the SEMA6B gene, results from a deletion of one nucleotide at position 1894, causing a translational frameshift with a predicted alternate stop codon after 18 amino acids. Frameshifts are typically deleterious in nature; however, this frameshift occurs at the 3' terminus of SEMA6B, is not expected to trigger nonsense-mediated mRNA decay, and a truncated mutant protein could still be expressed (Maquat, 2004). This alteration impacts the last 257 amino acids of the protein and the exact functional impact of these altered amino acids is unknown at this time; however, additional truncating alterations downstream of this alteration have been reported in the literature (Hamanaka, 2020). The alteration is not observed in population databases:_x000D_ _x000D_ Based on data from the Genome Aggregation Database (gnomAD), the SEMA6B c.1894delC alteration was not observed, with coverage at this position. Based on insufficient or conflicting evidence, the clinical significance of this alteration remains unclear.